The following is an entry in ClinVar:

NM_003244.4(TGIF1):c.16+1845C>T

Gene: TGIF1 (TGFB induced factor homeobox 1; plus strand). Cytogenetic location: 18p11.31.
Variant type: single nucleotide variant.
Coding change: c.16+1845C>T on transcript NM_003244.4 (MANE Select); 1845 bases into the intron after coding-DNA position 16, C replaced by T.
Molecular consequence: intron variant. On other transcripts: 5 prime UTR variant (1).
Genome position (GRCh38, 1-based): chr18:3,452,350, C>T. VCF-style: chr18-3452350-C-T. GRCh37 (hg19) VCF-style: chr18-3452348-C-T.
Other names: 371C>T; c.-77C>T (NM_170695.5); c.-44-4004C>T (NM_174886.3, NM_001278686.3); c.59-4004C>T (NM_173207.4); c.-45+3811C>T (NM_001374396.1); c.25+2694C>T (NM_001278682.2); c.16+1845C>T (NM_173208.3, NM_001278684.2); c.-45+2280C>T (NM_173209.3); and 2 more.
Identifiers: ClinVar variation 65496 (VCV000065496.3), dbSNP rs397515501, ClinGen allele CA344809.

ClinVar aggregate classification (germline): Benign (0 of 4 stars; one submission).

Conditions:
Holoprosencephaly 4 (HPE4). Identifiers: Orphanet 2162, MedGen C1840528, MONDO:0007734, OMIM 142946.

Allele frequency attached by ClinVar (database versions not stated): gnomAD exomes below 0.00001.

Submission:

GeneReviews
Classification: Benign for Holoprosencephaly. Last evaluated: 2013-08-29. Review status: no assertion criteria provided. Collection method: curation. Allele origin: unknown.
ClinVar note: Converted during submission from non-pathogenic to Benign.